The following is an entry in ClinVar:

ClinVar aggregate classification (germline): Likely benign (1 of 4 stars; one submission).

Allele frequency attached by ClinVar (database versions not stated): ExAC 0.00001; gnomAD exomes 0.00001 and 0.00002; gnomAD 0.00007 and 0.00009; TOPMed 0.00007.

Submission:

GeneDx
Classification: Likely benign. Last evaluated: 2016-07-01. Review status: criteria provided, single submitter. Criteria: GeneDx Variant Classification (06012015). Collection method: clinical testing. Allele origin: germline. Affected: yes.
Comment: This variant is considered likely benign or benign based on one or more of the following criteria: it is a conservative change, it occurs at a poorly conserved position in the protein, it is predicted to be benign by multiple in silico algorithms, and/or has population frequency not consistent with disease.

NM_181882.3(PRX):c.-19G>A

Gene: PRX (periaxin; minus strand). Cytogenetic location: 19q13.2.
Variant type: single nucleotide variant.
Coding change: c.-19G>A on transcript NM_181882.3 (MANE Select); 19 bases upstream of the start codon, G replaced by A.
Molecular consequence: 5 prime UTR variant.
Genome position (GRCh38, 1-based): chr19:40,407,951, C>T on the plus strand (G>A on the coding strand, the complement: PRX is on the minus strand). VCF-style: chr19-40407951-C-T. GRCh37 (hg19) VCF-style: chr19-40913858-C-T.
Other names: c.-19G>A (NM_020956.2).
Identifiers: ClinVar variation 387305 (VCV000387305.1), dbSNP rs758480824, ClinGen allele CA9444637.